The following is an entry in ClinVar:

NM_001458.5(FLNC):c.2335C>T (p.Leu779Phe)

Gene: FLNC (filamin C; plus strand). Cytogenetic location: 7q32.1.
Variant type: single nucleotide variant.
Coding change: c.2335C>T on transcript NM_001458.5 (MANE Select); coding-DNA position 2335, C replaced by T.
Protein change: p.Leu779Phe; replaces leucine 779 with phenylalanine.
Molecular consequence: missense variant.
Genome position (GRCh38, 1-based): chr7:128,842,644, C>T. VCF-style: chr7-128842644-C-T. GRCh37 (hg19) VCF-style: chr7-128482698-C-T.
Other names: c.2335C>T, p.Leu779Phe (NM_001127487.2); short protein forms L779F.
Identifiers: ClinVar variation 1523931 (VCV001523931.6), dbSNP rs2128935691, ClinGen allele CA369191253.

ClinVar aggregate classification (germline): Uncertain significance (1 of 4 stars; one submission).

Conditions:
Myofibrillar myopathy 5. Also called: Filaminopathy (type); FILAMINOPATHY, AUTOSOMAL DOMINANT. Identifiers: Orphanet 171445, MedGen C1836050, MONDO:0012289, OMIM 609524.
Hypertrophic cardiomyopathy 26. Also called: Cardiomyopathy, familial hypertrophic, 26. Identifiers: Orphanet 75249, MedGen C4310749, MONDO:0014883, OMIM 617047.
Distal myopathy with posterior leg and anterior hand involvement. Also called: WILLIAMS DISTAL MYOPATHY. Identifiers: Orphanet 63273, MedGen C3279722, MONDO:0013550, OMIM 614065.

gnomAD v4.1: 1 of 1,551,954 alleles (0.000064%); highest among the groups gnomAD compares: Non-Finnish European, 0.000087%; no homozygotes.

Submission:

Labcorp Genetics (formerly Invitae), Labcorp
Classification: Uncertain significance for Distal myopathy with posterior leg and anterior hand involvement; Myofibrillar myopathy 5; Hypertrophic cardiomyopathy 26. Last evaluated: 2021-10-09. Review status: criteria provided, single submitter. Criteria: Invitae Variant Classification Sherloc (09022015). Collection method: clinical testing. Allele origin: germline.
Comment: This sequence change replaces leucine with phenylalanine at codon 779 of the FLNC protein (p.Leu779Phe). The leucine residue is moderately conserved and there is a small physicochemical difference between leucine and phenylalanine. In summary, the available evidence is currently insufficient to determine the role of this variant in disease. Therefore, it has been classified as a Variant of Uncertain Significance. Algorithms developed to predict the effect of missense changes on protein structure and function are either unavailable or do not agree on the potential impact of this missense change (SIFT: "Deleterious"; PolyPhen-2: "Probably Damaging"; Align-GVGD: "Class C0"). This variant has not been reported in the literature in individuals affected with FLNC-related conditions. This variant is not present in population databases (ExAC no frequency).